The following is an entry in ClinVar:

ClinVar aggregate classification (germline): Uncertain significance (1 of 4 stars; one submission).

Conditions:
Hereditary cancer-predisposing syndrome. Also called: Tumor predisposition; Hereditary Cancer Syndrome; Neoplastic Syndromes, Hereditary; Hereditary neoplastic syndrome. Identifiers: Orphanet 140162, MedGen C0027672, MeSH D009386, MONDO:0015356.

Submission:

Ambry Genetics
Classification: Uncertain significance for Hereditary cancer-predisposing syndrome. Last evaluated: 2018-06-12. Review status: criteria provided, single submitter. Criteria: Ambry Variant Classification Scheme 2023. Collection method: clinical testing. Allele origin: germline.
Comment: The c.3113_3117delAAGCCinsGG variant (also known as p.E1038_A1039delinsG), located in coding exon 9 of the BRCA1 gene, results from an in-frame deletion of AAGCC and insertion of GG at nucleotide positions 3113 to 3117. This results in the substitution of the glutamic acid and alanine residues for a glycine residue at codon 1038. These amino acid positions are not well conserved in available vertebrate species. Since supporting evidence is limited at this time, the clinical significance of this alteration remains unclear.

NM_007294.4(BRCA1):c.3113_3117delinsGG (p.Glu1038_Ala1039delinsGly)

Gene: BRCA1 (BRCA1 DNA repair associated; minus strand). Cytogenetic location: 17q21.31.
Variant type: Indel.
Coding change: c.3113_3117delinsGG on transcript NM_007294.4 (MANE Select); coding-DNA positions 3113 to 3117, AAGCC replaced by GG.
Protein change: p.Glu1038_Ala1039delinsGly.
Molecular consequence: inframe indel. On other transcripts: intron variant (137).
Genome position (GRCh38, 1-based): chr17:43,092,414-43,092,418, GGCTT replaced by CC on the plus strand (AAGCC replaced by GG on the coding strand, the reverse complement: BRCA1 is on the minus strand). VCF-style: chr17-43092414-GGCTT-CC. GRCh37 (hg19) VCF-style: chr17-41244431-GGCTT-CC.
Other names: c.3110_3114delinsGG, p.Glu1037_Ala1038delinsGly (NM_001407614.1, NM_001407615.1, NM_001407627.1 and 22 more transcripts); c.3113_3117delinsGG, p.Glu1038_Ala1039delinsGly (NM_001407616.1, NM_001407617.1, NM_001407618.1 and 30 more transcripts); c.3104_3108delinsGG, p.Glu1035_Ala1036delinsGly (NM_001407646.1, NM_001407647.1); c.2990_2994delinsGG, p.Glu997_Ala998delinsGly (NM_001407648.1, NM_001407664.1, NM_001407665.1 and 19 more transcripts); c.2987_2991delinsGG, p.Glu996_Ala997delinsGly (NM_001407649.1, NM_001407670.1, NM_001407671.1 and 11 more transcripts); c.3035_3039delinsGG, p.Glu1012_Ala1013delinsGly (NM_001407653.1, NM_001407654.1, NM_001407655.1 and 4 more transcripts); c.3032_3036delinsGG, p.Glu1011_Ala1012delinsGly (NM_001407659.1, NM_001407660.1, NM_001407661.1 and 1 more transcripts); c.2972_2976delinsGG, p.Glu991_Ala992delinsGly (NM_001407692.1, NM_001407694.1, NM_001407695.1 and 29 more transcripts); and 41 more.
Identifiers: ClinVar variation 822926 (VCV000822926.5), dbSNP rs1597865601, ClinGen allele CA915950133.